The following is an entry in ClinVar:

NM_005876.5(SPEG):c.6227G>A (p.Arg2076Gln)

Genes: ASIC4-AS1 (ASIC4 antisense RNA 1; minus strand), SPEG (striated muscle enriched protein kinase; plus strand). Cytogenetic location: 2q35.
Variant type: single nucleotide variant.
Coding change: c.6227G>A on transcript NM_005876.5 (MANE Select); coding-DNA position 6227, G replaced by A.
Protein change: p.Arg2076Gln; replaces arginine 2076 with glutamine.
Molecular consequence: missense variant.
Genome position (GRCh38, 1-based): chr2:219,483,690, G>A. VCF-style: chr2-219483690-G-A. GRCh37 (hg19) VCF-style: chr2-220348412-G-A.
Other names: short protein forms R2076Q.
Identifiers: ClinVar variation 2651924 (VCV002651924.24), dbSNP rs1404227254, ClinGen allele CA350697121.
Genomic context (GRCh38, chr2:219,483,690, plus strand): 5'-GAGGCCTGGGTGAGGGCGAGTATGCCCAGAGGCTGCAGGCCCTGCGCCAGCGGCTGCTGC[G>A]GGGAGGCCCCGAGGATGGCAAGGTCAGCGGCCTCAGGGGTCCCCTGCTGGAGAGCCTGGG-3'
Protein context (NP_005867.3, residues 2066-2086): RLQALRQRLL[Arg2076Gln]GGPEDGKVSG

ClinVar aggregate classification (germline): Uncertain significance (1 of 4 stars; one submission).

Allele frequency attached by ClinVar (database versions not stated): gnomAD 0.00001.
gnomAD v4.1: 3 of 1,533,764 alleles (0.0002%); highest among the groups gnomAD compares: East Asian, 0.0025%; no homozygotes.

Submission:

CeGaT Center for Human Genetics Tuebingen
Classification: Uncertain significance. Last evaluated: 2023-02-01. Review status: criteria provided, single submitter. Criteria: CeGaT Center For Human Genetics Tuebingen Variant Classification Criteria Version 2. Collection method: clinical testing. Allele origin: germline. Affected: yes. Observed: 1 variant allele.
Comment: SPEG: PM2